The following is an entry in ClinVar:

NM_006514.4(SCN10A):c.1788G>T (p.Leu596Phe)

Gene: SCN10A (sodium voltage-gated channel alpha subunit 10; minus strand). Cytogenetic location: 3p22.2.
Variant type: single nucleotide variant.
Coding change: c.1788G>T on transcript NM_006514.4 (MANE Select); coding-DNA position 1788, G replaced by T.
Protein change: p.Leu596Phe; replaces leucine 596 with phenylalanine.
Molecular consequence: missense variant.
Genome position (GRCh38, 1-based): chr3:38,750,152, C>A on the plus strand (G>T on the coding strand, the complement: SCN10A is on the minus strand). VCF-style: chr3-38750152-C-A. GRCh37 (hg19) VCF-style: chr3-38791643-C-A.
Other names: c.1788G>T, p.Leu596Phe (NM_001293306.2); c.1494G>T, p.Leu498Phe (NM_001293307.2); short protein forms L596F, L498F.
Identifiers: ClinVar variation 451515 (VCV000451515.10), dbSNP rs764965507, ClinGen allele CA2320746.
Genomic context (GRCh38, chr3:38,750,152, plus strand): 5'-GATACTGACAACACTCATTGCCCTTTGGGCCCGGAAAGGTTCATCTAAGTATTCTGCTGA[C>A]AAGAAAGTCTTCTTTTGTCCTGCATCGAATGCCTGTTGAGACACAAACAGAGTCAGGACG-3'
Protein context (NP_006505.4, residues 586-606): AFDAGQKKTF[Leu596Phe]SAEYLDEPFR

ClinVar aggregate classification (germline): Uncertain significance. Review status: criteria provided, multiple submitters, no conflicts (2 of 4 stars). 3 submissions from 3 submitters: Uncertain significance (3). Last evaluated 2025-03-05.

Conditions:
Cardiovascular phenotype. Identifiers: MedGen CN230736.
Brugada syndrome. Also called: Sudden unexpected nocturnal death syndrome; Sudden Unexplained Death Syndrome; Sudden Unexplained Nocturnal Death Syndrome (SUNDS); Sudden unexplained nocturnal death syndrome. Identifiers: Orphanet 130, MedGen C1142166, MONDO:0015263.

Allele frequency attached by ClinVar (database versions not stated): ExAC 0.00001; gnomAD exomes 0.00001; gnomAD 0.00003; TOPMed 0.00005.

Submissions (3):

Labcorp Genetics (formerly Invitae), Labcorp
Classification: Uncertain significance for Brugada syndrome. Last evaluated: 2025-03-05. Review status: criteria provided, single submitter. Criteria: Invitae Variant Classification Sherloc (09022015). Collection method: clinical testing. Allele origin: germline.
Comment: This sequence change replaces leucine, which is neutral and non-polar, with phenylalanine, which is neutral and non-polar, at codon 596 of the SCN10A protein (p.Leu596Phe). This variant is present in population databases (rs764965507, gnomAD 0.009%). This variant has not been reported in the literature in individuals affected with SCN10A-related conditions. ClinVar contains an entry for this variant (Variation ID: 451515). Invitae Evidence Modeling of protein sequence and biophysical properties (such as structural, functional, and spatial information, amino acid conservation, physicochemical variation, residue mobility, and thermodynamic stability) has been performed for this missense variant. However, the output from this modeling did not meet the statistical confidence thresholds required to predict the impact of this variant on SCN10A protein function. In summary, the available evidence is currently insufficient to determine the role of this variant in disease. Therefore, it has been classified as a Variant of Uncertain Significance.

Ambry Genetics
Classification: Uncertain significance for Cardiovascular phenotype. Last evaluated: 2025-01-18. Review status: criteria provided, single submitter. Criteria: Ambry Variant Classification Scheme 2023. Collection method: clinical testing. Allele origin: germline.

GeneDx
Classification: Uncertain significance. Last evaluated: 2024-04-22. Review status: criteria provided, single submitter. Criteria: GeneDx Variant Classification Process June 2021. Collection method: clinical testing. Allele origin: germline. Affected: yes.
Comment: Has not been previously published as pathogenic or benign to our knowledge; Not observed at significant frequency in large population cohorts (gnomAD); In silico analysis supports that this missense variant does not alter protein structure/function